The following is an entry in ClinVar:

ClinVar aggregate classification (germline): Pathogenic/Likely pathogenic. Review status: criteria provided, multiple submitters, no conflicts (2 of 4 stars). 12 submissions from 12 submitters: Pathogenic (4); Likely pathogenic (6). 2 of the submissions do not count toward it. Last evaluated 2026-07-15.

Conditions:
CACNA1A-related disorder. Also called: CACNA1A-related condition.
Developmental and epileptic encephalopathy, 52 (DEE52). Also called: Epileptic encephalopathy, early infantile, 52. Identifiers: MedGen C4479236, MONDO:0033361, OMIM 617350.
Spinocerebellar ataxia type 6 (SCA6). Identifiers: Orphanet 98758, MedGen C0752124, MONDO:0008457, OMIM 183086.
Migraine, familial hemiplegic, 1. Also called: MIGRAINE, FAMILIAL HEMIPLEGIC 1, WITH PROGRESSIVE CEREBELLAR ATAXIA. Identifiers: Orphanet 569, MedGen C1832884, MONDO:0020756, OMIM 141500, MONDO:0007714.
Episodic ataxia type 2 (EA2). Also called: ATAXIA, EPISODIC, WITH NYSTAGMUS; ATAXIA, FAMILIAL PAROXYSMAL; CEREBELLAR ATAXIA, PAROXYSMAL, ACETAZOLAMIDE-RESPONSIVE; CEREBELLOPATHY, HEREDITARY PAROXYSMAL; ACETAZOLAMIDE-RESPONSIVE HEREDITARY PAROXYSMAL CEREBELLAR ATAXIA; EPISODIC ATAXIA, NYSTAGMUS-ASSOCIATED. Identifiers: Orphanet 97, MedGen C1720416, MONDO:0007163, OMIM 108500.
Developmental and epileptic encephalopathy, 42 (DEE42A). Also called: DEVELOPMENTAL AND EPILEPTIC ENCEPHALOPATHY 42A; EPILEPTIC ENCEPHALOPATHY, EARLY INFANTILE, 42A; Epileptic encephalopathy, early infantile, 42. Identifiers: MedGen C4310716, MONDO:0014917, OMIM 617106.
Inborn genetic diseases. Identifiers: MedGen C0950123, MeSH D030342.

Submissions (12):

Ambry Genetics
Classification: Likely pathogenic for Inborn genetic diseases. Last evaluated: 2026-07-15. Review status: criteria provided, single submitter. Criteria: Ambry Variant Classification Scheme 2023. Collection method: clinical testing. Allele origin: germline.
Comment: The c.4930G>A (p.D1644N) alteration is located in exon 31 (coding exon 31) of the CACNA1A gene. This alteration results from a G to A substitution at nucleotide position 4930, causing the aspartic acid (D) at amino acid position 1644 to be replaced by an asparagine (N). for CACNA1A-related neurologic disorder; however, it is unlikely to be causative of CACNA1A-related spinocerebellar ataxia. The Genome Aggregation Database (gnomAD) data for this variant is unreliable due to technical and/or biological issues; therefore, population frequency estimates were not considered. This variant was reported in individual(s) with features consistent with CACNA1A-related neurologic disorder; in at least one individual, it was determined to be de novo (Galatolo, 2021; Lipman, 2022; Narita, 2022; Kessi, 2023). This amino acid position is highly conserved in available vertebrate species. This missense variant is located in a region that has a low rate of benign missense variation (Lek, 2016; Firth, 2009). The in silico prediction for this alteration is inconclusive. Based on the available evidence, this alteration is classified as likely pathogenic.

CeGaT Center for Human Genetics Tuebingen
Classification: Likely pathogenic. Last evaluated: 2025-10-01. Review status: criteria provided, single submitter. Criteria: CeGaT Center For Human Genetics Tuebingen Variant Classification Criteria Version 2. Collection method: clinical testing. Allele origin: germline. Affected: yes. Observed: 1 variant allele.
Comment: CACNA1A: PM2, PS4:Moderate, PM6:Supporting, PP2, PP3, PP4

3billion
Classification: Likely pathogenic for CACNA1A-related disorder. Last evaluated: 2025-09-03. Review status: criteria provided, single submitter. Criteria: ACMG Guidelines, 2015. Collection method: clinical testing. Allele origin: germline. Affected: yes.
Comment: The variant is not observed in the gnomAD v4.1.0 dataset. Predicted Consequence/Location: Missense variant In silico tool predictions suggest damaging effect of the variant on gene or gene product [REVEL: 0.93 (>=0.6, sensitivity 0.68 and specificity 0.92)]. The same nucleotide change resulting in the same amino acid change has been previously reported as pathogenic/likely pathogenic with strong evidence (ClinVar ID: VCV000422063 /3billion dataset). A different missense change at the same codon (p.Asp1643Tyr) has been reported to be associated with CACNA1A-related disorder (ClinVar ID: VCV002431757). Therefore, this variant is classified as Likely pathogenic according to the recommendation of ACMG/AMP guideline.

Genomic Medicine Center of Excellence, King Faisal Specialist Hospital and Research Centre
Classification: Pathogenic for Spinocerebellar ataxia type 6. Last evaluated: 2024-10-13. Review status: criteria provided, single submitter. Criteria: ACMG Guidelines, 2015. Collection method: clinical testing. Allele origin: germline.
Comment: This variant (GRCh38; NM_023035.2:c.4939G>A:p.Asp1647Asn) results in a missense mutation with the conversion of Aspartate (Acidic amino acid) to Asparagine (Polar amino acid) in the CACNA1A protein. Not observed at significant frequency in large population cohorts (gnomAD). Novel missense change at an amino acid residue where a different missense change determined to be pathogenic has been seen before. Cosegregation with disease in multiple affected family members in a gene definitively known to cause the disease. This variant has a strong Conservation score. In-silico analysis supports that this missense variant is pathogenic. ClinVar contains an entry for this variant (Variation ID:422063). In summary, this variant meets our criteria to be classified as pathogenic based on the evidence outlined.

Labcorp Genetics (formerly Invitae), Labcorp
Classification: Pathogenic for Developmental and epileptic encephalopathy, 42; Episodic ataxia type 2. Last evaluated: 2024-06-24. Review status: criteria provided, single submitter. Criteria: Invitae Variant Classification Sherloc (09022015). Collection method: clinical testing. Allele origin: germline.
Comment: This sequence change replaces aspartic acid, which is acidic and polar, with asparagine, which is neutral and polar, at codon 1644 of the CACNA1A protein (p.Asp1644Asn). This variant is not present in population databases (gnomAD no frequency). This missense change has been observed in individual(s) with clinical features of CACNA1A-related conditions (Invitae). In at least one individual the variant was observed to be de novo. ClinVar contains an entry for this variant (Variation ID: 422063). Advanced modeling of protein sequence and biophysical properties (such as structural, functional, and spatial information, amino acid conservation, physicochemical variation, residue mobility, and thermodynamic stability) performed at Invitae indicates that this missense variant is expected to disrupt CACNA1A protein function with a positive predictive value of 95%. For these reasons, this variant has been classified as Pathogenic.

GeneDx
Classification: Pathogenic. Last evaluated: 2023-11-09. Review status: criteria provided, single submitter. Criteria: GeneDx Variant Classification Process June 2021. Collection method: clinical testing. Allele origin: germline. Affected: yes.
Comment: Identified heterozygous in an individual with hypoplasia of the cerebellum and global developmental delay (PMID: 36028527); Not observed at significant frequency in large population cohorts (gnomAD); In silico analysis supports that this missense variant has a deleterious effect on protein structure/function; This variant is associated with the following publications: (PMID: 34758253, 37555011, 34445196, 36028527)

Wendy Chung Laboratory, Boston Children's Hospital
Classification: Likely pathogenic for Developmental and epileptic encephalopathy, 52; Episodic ataxia type 2; Migraine, familial hemiplegic, 1; Spinocerebellar ataxia type 6. Last evaluated: 2022-03-20. Review status: criteria provided, single submitter. Criteria: ACMG Guidelines, 2015. Collection method: clinical testing. Allele origin: de novo. Affected: no.

Pediatric Department, Xiangya Hospital, Central South University
Classification: Likely pathogenic for Episodic ataxia type 2. Last evaluated: 2021-01-07. Review status: criteria provided, single submitter. Criteria: ACMG Guidelines, 2015. Collection method: clinical testing. Allele origin: de novo. Affected: yes.

Molecular Medicine for Neurodegenerative and Neuromuscular Diseases Unit, IRCCS Fondazione Stella Maris
Classification: Pathogenic for Episodic ataxia type 2. Last evaluated: 2021-01-04. Review status: criteria provided, single submitter. Criteria: ACMG Guidelines, 2015. Collection method: research. Allele origin: de novo. Affected: yes.

Victorian Clinical Genetics Services, Murdoch Childrens Research Institute
Classification: Likely pathogenic for Developmental and epileptic encephalopathy, 42. Last evaluated: 2020-05-21. Review status: criteria provided, single submitter. Criteria: ACMG Guidelines, 2015. Collection method: clinical testing. Allele origin: germline. Inheritance: Autosomal dominant inheritance. Affected: yes.
Comment: Based on the classification scheme VCGS_Germline_v0.6.1, this variant is classified as LIKELY PATHOGENIC. Following criteria are met: 0103 - Both loss and gain of function are known mechanism of disease for this gene. 0107 - This gene is known to be associated with autosomal dominant disease. 0200 - Variant is predicted to result in a missense amino acid change from aspartic acid to asparagine (exon 31). 0301 - Variant is absent from gnomAD. 0501 - Missense variant consistently predicted to be damaging by in silico tools or highly conserved with a major amino acid change. 0600 - Variant is located in an annotated domain or motif that does not have a well established function (extracellular region of Ion-trans domain; PDB, NCBI, DECIPHER). 0603 - Missense variant in a region that is highly intolerant to missense variation (constraint). 0705 - No comparable variants in relevant codon/region have previous evidence for pathogenicity. 0807 - Variant has not previously been reported in a clinical context (1X VUS in ClinVar). 0905 - No published segregation evidence has been identified for this variant. 1007 - No published functional evidence has been identified for this variant. 1204 - De novo variant (parental status not tested but assumed) Legend: (P) - Pathogenic, (N) - Neutral, (B) - Benign

Department of Genetics, Rouen University Hospital, Normandy Center for Genomic and Personalized Medicine
Classification: Likely pathogenic for Developmental and epileptic encephalopathy, 42. Last evaluated: 2020-04-03. Review status: no assertion criteria provided. Collection method: clinical testing. Allele origin: de novo. Affected: yes. Not counted in ClinVar's aggregate classification.

Genomics England Pilot Project, Genomics England
Classification: Likely pathogenic for Spinocerebellar ataxia type 6. Review status: no assertion criteria provided. Criteria: ACGS Guidelines, 2016. Collection method: clinical testing. Allele origin: germline. Affected: yes. Not counted in ClinVar's aggregate classification.

Literature cited by the submitters: PubMed 34445196 (cited by Ambry Genetics); PubMed 35722745 (cited by Ambry Genetics); PubMed 36028527 (cited by Ambry Genetics); PubMed 37555011 (cited by Ambry Genetics).

NM_001127222.2(CACNA1A):c.4927G>A (p.Asp1643Asn)

Gene: CACNA1A (calcium voltage-gated channel subunit alpha1 A; minus strand). Cytogenetic location: 19p13.13.
Variant type: single nucleotide variant.
Coding change: c.4927G>A on transcript NM_001127222.2 (MANE Select); coding-DNA position 4927, G replaced by A.
Protein change: p.Asp1643Asn; replaces aspartic acid 1643 with asparagine.
Molecular consequence: missense variant.
Genome position (GRCh38, 1-based): chr19:13,245,205, C>T on the plus strand (G>A on the coding strand, the complement: CACNA1A is on the minus strand). VCF-style: chr19-13245205-C-T. GRCh37 (hg19) VCF-style: chr19-13356019-C-T.
Other names: c.4939G>A, p.Asp1647Asn (NM_000068.4, NM_023035.3); c.4930G>A, p.Asp1644Asn (NM_001127221.2, NM_001174080.2); c.4939G>A (NM_023035.2); short protein forms D1644N, D1647N, D1643N.
Identifiers: ClinVar variation 422063 (VCV000422063.63), dbSNP rs1064795531, ClinGen allele CA16620781.